The following is an entry in ClinVar:

ClinVar aggregate classification (germline): Likely benign. Review status: criteria provided, single submitter (1 of 4 stars). 2 submissions from 2 submitters: Likely benign (1). 1 of the submissions does not count toward it. Last evaluated 2025-09-24.

Conditions:
IFT74-related disorder. Also called: IFT74-Related Disorders; IFT74-related condition.

Allele frequency attached by ClinVar (database versions not stated): gnomAD exomes 0.00001; ExAC 0.00001; TOPMed 0.00001; ESP Exome Variant Server 0.00008.
gnomAD v4.1: 13 of 1,593,406 alleles (0.00082%); highest among the groups gnomAD compares: Non-Finnish European, 0.001%; no homozygotes.

Submissions (2):

Labcorp Genetics (formerly Invitae), Labcorp
Classification: Likely benign. Last evaluated: 2025-09-24. Review status: criteria provided, single submitter. Criteria: Invitae Variant Classification Sherloc (09022015). Collection method: clinical testing. Allele origin: germline.

PreventionGenetics, part of Exact Sciences
Classification: Likely benign for IFT74-related condition. Last evaluated: 2022-11-03. Review status: no assertion criteria provided. Collection method: clinical testing. Allele origin: germline. Not counted in ClinVar's aggregate classification.
Comment: This variant is classified as likely benign based on ACMG/AMP sequence variant interpretation guidelines (Richards et al. 2015 PMID: 25741868, with internal and published modifications).

NM_025103.4(IFT74):c.1407T>C (p.Ser469=)

Gene: IFT74 (intraflagellar transport 74; plus strand). Cytogenetic location: 9p21.2.
Variant type: single nucleotide variant.
Coding change: c.1407T>C on transcript NM_025103.4 (MANE Select); coding-DNA position 1407, T replaced by C.
Protein change: p.Ser469=; no amino-acid change (serine 469 retained).
Molecular consequence: synonymous variant.
Genome position (GRCh38, 1-based): chr9:27,055,682, T>C. VCF-style: chr9-27055682-T-C. GRCh37 (hg19) VCF-style: chr9-27055680-T-C.
Other names: c.1407T>C, p.Ser469= (NM_001099222.3, NM_001099223.3, NM_001349928.2); c.1407T>C (NM_025103.2).
Identifiers: ClinVar variation 2891029 (VCV002891029.5), dbSNP rs375262253, ClinGen allele CA5015664.